The following is an entry in ClinVar:

NM_001232.4(CASQ2):c.784-5T>C

Gene: CASQ2 (calsequestrin 2; minus strand). Cytogenetic location: 1p13.1.
Variant type: single nucleotide variant.
Coding change: c.784-5T>C on transcript NM_001232.4 (MANE Select); 5 bases into the intron before coding-DNA position 784, T replaced by C.
Molecular consequence: intron variant.
Genome position (GRCh38, 1-based): chr1:115,717,899, A>G on the plus strand (T>C on the coding strand, the complement: CASQ2 is on the minus strand). VCF-style: chr1-115717899-A-G. GRCh37 (hg19) VCF-style: chr1-116260520-A-G.
Other names: c.784-5T>C (NM_001232.3).
Identifiers: ClinVar variation 1626632 (VCV001626632.48), dbSNP rs2101068877, ClinGen allele CA2573130558.

ClinVar aggregate classification (germline): Conflicting classifications of pathogenicity. Review status: criteria provided, conflicting classifications (1 of 4 stars). 2 submissions from 2 submitters: Uncertain significance (1); Likely benign (1). Last evaluated 2024-10-08.

Conditions:
Cardiovascular phenotype. Identifiers: MedGen CN230736.
Catecholaminergic polymorphic ventricular tachycardia 1. Also called: VENTRICULAR TACHYCARDIA, STRESS-INDUCED POLYMORPHIC 1; VENTRICULAR TACHYCARDIA, CATECHOLAMINERGIC POLYMORPHIC, 1, WITH OR WITHOUT ATRIAL DYSFUNCTION AND/OR DILATED CARDIOMYOPATHY; RYR2-Related Catecholaminergic Polymorphic Ventricular Tachycardia. Identifiers: Orphanet 3286, MedGen C1631597, MONDO:0011484, OMIM 604772.

Allele frequency attached by ClinVar (database versions not stated): gnomAD exomes below 0.00001.
gnomAD v4.1: 2 of 1,604,094 alleles (0.00012%); highest among the groups gnomAD compares: African/African-American, 0.0013%; no homozygotes.

Submissions (2):

Ambry Genetics
Classification: Uncertain significance for Cardiovascular phenotype. Last evaluated: 2024-10-08. Review status: criteria provided, single submitter. Criteria: Ambry Variant Classification Scheme 2023. Collection method: clinical testing. Allele origin: germline.
Comment: The c.784-5T>C intronic variant results from a T to C substitution 5 nucleotides upstream from coding exon 8 in the CASQ2 gene. This nucleotide position is not well conserved in available vertebrate species. In silico splice site analysis predicts that this alteration will not have any significant effect on splicing. Based on the available evidence, the clinical significance of this variant remains unclear.

Labcorp Genetics (formerly Invitae), Labcorp
Classification: Likely benign for Catecholaminergic polymorphic ventricular tachycardia 1. Last evaluated: 2021-03-27. Review status: criteria provided, single submitter. Criteria: Invitae Variant Classification Sherloc (09022015). Collection method: clinical testing. Allele origin: germline.